The following is an entry in ClinVar:

ClinVar aggregate classification (germline): Uncertain significance (1 of 4 stars; one submission).

gnomAD v4.1: 2 of 1,614,066 alleles (0.00012%); highest among the groups gnomAD compares: African/African-American, 0.0027%; no homozygotes.

Submission:

GeneDx
Classification: Uncertain significance. Last evaluated: 2025-06-17. Review status: criteria provided, single submitter. Criteria: GeneDx Variant Classification Process June 2021. Collection method: clinical testing. Allele origin: germline. Affected: yes.
Comment: Not observed at significant frequency in large population cohorts (gnomAD); In silico analysis supports that this missense variant has a deleterious effect on protein structure/function; Has not been previously published as pathogenic or benign to our knowledge

NM_000275.3(OCA2):c.2023C>T (p.His675Tyr)

Gene: OCA2 (OCA2 melanosomal transmembrane protein; minus strand). Cytogenetic location: 15q13.1.
Variant type: single nucleotide variant.
Coding change: c.2023C>T on transcript NM_000275.3 (MANE Select); coding-DNA position 2023, C replaced by T.
Protein change: p.His675Tyr; replaces histidine 675 with tyrosine.
Molecular consequence: missense variant.
Genome position (GRCh38, 1-based): chr15:27,926,183, G>A on the plus strand (C>T on the coding strand, the complement: OCA2 is on the minus strand). VCF-style: chr15-27926183-G-A. GRCh37 (hg19) VCF-style: chr15-28171329-G-A.
Other names: c.1951C>T, p.His651Tyr (NM_001300984.2); short protein forms H651Y, H675Y.
Identifiers: ClinVar variation 4538725 (VCV004538725.1).